The following is an entry in ClinVar:

NM_001330078.2(NRXN1):c.2698A>G (p.Arg900Gly)

Gene: NRXN1 (neurexin 1; minus strand). Cytogenetic location: 2p16.3.
Variant type: single nucleotide variant.
Coding change: c.2698A>G on transcript NM_001330078.2 (MANE Select); coding-DNA position 2698, A replaced by G.
Protein change: p.Arg900Gly; replaces arginine 900 with glycine.
Molecular consequence: missense variant.
Genome position (GRCh38, 1-based): chr2:50,497,514, T>C on the plus strand (A>G on the coding strand, the complement: NRXN1 is on the minus strand). VCF-style: chr2-50497514-T-C. GRCh37 (hg19) VCF-style: chr2-50724652-T-C.
Other names: c.2818A>G, p.Arg940Gly (NM_001135659.3); c.2674A>G, p.Arg892Gly (NM_001330077.2, NM_001330082.2); c.2632A>G, p.Arg878Gly (NM_001330083.2, NM_001330084.2); c.2671A>G, p.Arg891Gly (NM_001330085.2); c.2698A>G, p.Arg900Gly (NM_001330086.2, NM_004801.6); c.2587A>G, p.Arg863Gly (NM_001330087.2, NM_001330096.2); c.2617A>G, p.Arg873Gly (NM_001330088.2); c.2695A>G, p.Arg899Gly (NM_001330093.2); and 2 more; short protein forms R863G, R873G, R878G, R883G, R891G, R892G, R896G, R899G.
Identifiers: ClinVar variation 1720725 (VCV001720725.5), dbSNP rs574531814, ClinGen allele CA346777070.
Genomic context (GRCh38, chr2:50,497,514, plus strand): 5'-TAGCTAAGGCAACATAGCTCGATTTGGTCTTGAAGGTGACAGGATCTGCTATGATGTTCC[T>C]GAAGCCAAATCTGGCATTAAGCTCACAGTAATCTATGTCGCCATTTTTACACAGGTCAAT-3'
Protein context (NP_001317007.1, residues 890-910): YCELNARFGF[Arg900Gly]NIIADPVTFK

ClinVar aggregate classification (germline): Uncertain significance (1 of 4 stars; one submission).

Conditions:
Pitt-Hopkins-like syndrome 2 (PTHSL2). Identifiers: Orphanet 221150, Orphanet 600663, MedGen C3280479, MONDO:0013690, OMIM 614325.

Submission:

Labcorp Genetics (formerly Invitae), Labcorp
Classification: Uncertain significance for Pitt-Hopkins-like syndrome 2. Last evaluated: 2022-09-30. Review status: criteria provided, single submitter. Criteria: Invitae Variant Classification Sherloc (09022015). Collection method: clinical testing. Allele origin: germline.
Comment: Algorithms developed to predict the effect of missense changes on protein structure and function are either unavailable or do not agree on the potential impact of this missense change (SIFT: "Tolerated"; PolyPhen-2: "Possibly Damaging"; Align-GVGD: "Class C0"). In summary, the available evidence is currently insufficient to determine the role of this variant in disease. Therefore, it has been classified as a Variant of Uncertain Significance. This variant has not been reported in the literature in individuals affected with NRXN1-related conditions. This variant is not present in population databases (gnomAD no frequency). This sequence change replaces arginine, which is basic and polar, with glycine, which is neutral and non-polar, at codon 940 of the NRXN1 protein (p.Arg940Gly).